The following is an entry in ClinVar:

NM_015046.7(SETX):c.2490A>C (p.Gly830=)

Gene: SETX (senataxin; minus strand). Cytogenetic location: 9q34.13.
Variant type: single nucleotide variant.
Coding change: c.2490A>C on transcript NM_015046.7 (MANE Select); coding-DNA position 2490, A replaced by C.
Protein change: p.Gly830=; no amino-acid change (glycine 830 retained).
Molecular consequence: synonymous variant.
Genome position (GRCh38, 1-based): chr9:132,329,108, T>G on the plus strand (A>C on the coding strand, the complement: SETX is on the minus strand). VCF-style: chr9-132329108-T-G. GRCh37 (hg19) VCF-style: chr9-135204495-T-G.
Other names: c.2490A>C, p.Gly830= (NM_001351527.2, NM_001351528.2).
Identifiers: ClinVar variation 805411 (VCV000805411.15), dbSNP rs751429987, ClinGen allele CA5297584.

ClinVar aggregate classification (germline): Likely benign. Review status: criteria provided, multiple submitters, no conflicts (2 of 4 stars). 6 submissions from 5 submitters: Likely benign (5). 1 of the submissions does not count toward it. Last evaluated 2025-06-27.

Conditions:
SETX-related disorder. Also called: SETX-related condition; SETX-related disorders. Identifiers: MedGen CN239403.
Amyotrophic lateral sclerosis type 4 (ALS4). Also called: NEURONOPATHY, DISTAL HEREDITARY MOTOR, WITH PYRAMIDAL FEATURES; AMYOTROPHIC LATERAL SCLEROSIS 4, JUVENILE. Identifiers: Orphanet 357043, MedGen C1865409, MONDO:0011223, OMIM 602433.
Spinocerebellar ataxia, autosomal recessive, with axonal neuropathy 2 (SCAN2). Also called: ATAXIA-OCULOMOTOR APRAXIA 2; Ataxia-ocular apraxia-2; Ataxia with Oculomotor Apraxia; Ataxia with Oculomotor Apraxia Type 2. Identifiers: Orphanet 64753, MedGen C1853761, MONDO:0018996, OMIM 606002.
Hereditary spastic paraplegia. Also called: Familial spastic paraparesis. Identifiers: Orphanet 685, MedGen C0037773, MONDO:0019064. Disease mechanism: loss of function.

Allele frequency attached by ClinVar (database versions not stated): gnomAD exomes 0.00002 and 0.00010; gnomAD 0.00003 and 0.00004; TOPMed 0.00007; ExAC 0.00010.
gnomAD v4.1: 40 of 1,609,914 alleles (0.0025%); highest among the groups gnomAD compares: Admixed American, 0.057%; no homozygotes.

Submissions (6):

Labcorp Genetics (formerly Invitae), Labcorp
Classification: Likely benign for Amyotrophic lateral sclerosis type 4; Spinocerebellar ataxia, autosomal recessive, with axonal neuropathy 2. Last evaluated: 2025-06-27. Review status: criteria provided, single submitter. Criteria: Invitae Variant Classification Sherloc (09022015). Collection method: clinical testing. Allele origin: germline.

Genome-Nilou Lab
Classification: Likely benign for Spinocerebellar ataxia, autosomal recessive, with axonal neuropathy 2. Last evaluated: 2023-02-08. Review status: criteria provided, single submitter. Criteria: ACMG Guidelines, 2015. Collection method: clinical testing. Allele origin: germline.

Genome-Nilou Lab
Classification: Likely benign for Amyotrophic lateral sclerosis type 4. Last evaluated: 2023-02-08. Review status: criteria provided, single submitter. Criteria: ACMG Guidelines, 2015. Collection method: clinical testing. Allele origin: germline.

Genome Diagnostics Laboratory, The Hospital for Sick Children
Classification: Likely benign for Hereditary spastic paraplegia. Last evaluated: 2021-09-01. Review status: criteria provided, single submitter. Criteria: ACMG Guidelines, 2015. Collection method: clinical testing. Allele origin: germline. Affected: yes.

Athena Diagnostics
Classification: Likely benign. Last evaluated: 2019-01-25. Review status: criteria provided, single submitter. Criteria: Athena Diagnostics Criteria. Collection method: clinical testing. Allele origin: germline.

PreventionGenetics, part of Exact Sciences
Classification: Likely benign for SETX-related condition. Last evaluated: 2019-03-15. Review status: no assertion criteria provided. Collection method: clinical testing. Allele origin: germline. Not counted in ClinVar's aggregate classification.
Comment: This variant is classified as likely benign based on ACMG/AMP sequence variant interpretation guidelines (Richards et al. 2015 PMID: 25741868, with internal and published modifications).